The following is an entry in ClinVar:

ClinVar aggregate classification (germline): Uncertain significance (1 of 4 stars; one submission).

Conditions:
Brown-Vialetto-van Laere syndrome 2. Also called: Riboflavin transporter deficiency type 2; SPINOCEREBELLAR ATAXIA WITH BLINDNESS AND DEAFNESS 2. Identifiers: Orphanet 572543, Orphanet 97229, MedGen C3553538, MONDO:0013867, OMIM 614707.

Allele frequency attached by ClinVar (database versions not stated): gnomAD exomes below 0.00001; ExAC 0.00001.

Submission:

Labcorp Genetics (formerly Invitae), Labcorp
Classification: Uncertain significance for Brown-Vialetto-van Laere syndrome 2. Last evaluated: 2024-04-25. Review status: criteria provided, single submitter. Criteria: Invitae Variant Classification Sherloc (09022015). Collection method: clinical testing. Allele origin: germline.
Comment: This sequence change replaces alanine, which is neutral and non-polar, with threonine, which is neutral and polar, at codon 240 of the SLC52A2 protein (p.Ala240Thr). This variant is present in population databases (rs782465158, gnomAD 0.0009%). This variant has not been reported in the literature in individuals affected with SLC52A2-related conditions. ClinVar contains an entry for this variant (Variation ID: 1525028). Advanced modeling of protein sequence and biophysical properties (such as structural, functional, and spatial information, amino acid conservation, physicochemical variation, residue mobility, and thermodynamic stability) performed at Invitae indicates that this missense variant is not expected to disrupt SLC52A2 protein function with a negative predictive value of 80%. In summary, the available evidence is currently insufficient to determine the role of this variant in disease. Therefore, it has been classified as a Variant of Uncertain Significance.

NM_001363118.2(SLC52A2):c.718G>A (p.Ala240Thr)

Gene: SLC52A2 (solute carrier family 52 member 2; plus strand). Cytogenetic location: 8q24.3.
Variant type: single nucleotide variant.
Coding change: c.718G>A on transcript NM_001363118.2 (MANE Select); coding-DNA position 718, G replaced by A.
Protein change: p.Ala240Thr; replaces alanine 240 with threonine.
Molecular consequence: missense variant. On other transcripts: non-coding transcript variant (1).
Genome position (GRCh38, 1-based): chr8:144,360,210, G>A. VCF-style: chr8-144360210-G-A. GRCh37 (hg19) VCF-style: chr8-145583870-G-A.
Other names: c.718G>A, p.Ala240Thr (NM_001253815.2, NM_001253816.2, NM_001363120.2 and 2 more transcripts); c.226G>A, p.Ala76Thr (NM_001363122.2); short protein forms A240T, A76T.
Identifiers: ClinVar variation 1525028 (VCV001525028.5), dbSNP rs782465158, ClinGen allele CA4938265.
Genomic context (GRCh38, chr8:144,360,210, plus strand): 5'-CCACCACCATCTGTACCCACAGGGGAGTTAGGATCAGGCCTCCAGGTGGGAGCCCCAGGA[G>A]CAGAGGAAGAGGTGGAAGAGTCCTCACCACTGCAAGAGCCACCAAGCCAGGCAGCAGGCA-3'
Protein context (NP_001350047.1, residues 230-250): GSGLQVGAPG[Ala240Thr]EEEVEESSPL